The following is an entry in ClinVar:

NM_000245.4(MET):c.512A>C (p.Gln171Pro)

Gene: MET (MET proto-oncogene, receptor tyrosine kinase; plus strand). Cytogenetic location: 7q31.2.
Variant type: single nucleotide variant.
Coding change: c.512A>C on transcript NM_000245.4 (MANE Select); coding-DNA position 512, A replaced by C.
Protein change: p.Gln171Pro; replaces glutamine 171 with proline.
Molecular consequence: missense variant. On other transcripts: intron variant (1).
Genome position (GRCh38, 1-based): chr7:116,699,596, A>C. VCF-style: chr7-116699596-A-C. GRCh37 (hg19) VCF-style: chr7-116339650-A-C.
Other names: c.512A>C, p.Gln171Pro (NM_001127500.3, NM_001324401.3); c.-91+27019A>C (NM_001324402.2); short protein forms Q171P.
Identifiers: ClinVar variation 1745523 (VCV001745523.5), dbSNP rs2485510149, ClinGen allele CA368969242.

ClinVar aggregate classification (germline): Uncertain significance. Review status: criteria provided, multiple submitters, no conflicts (2 of 4 stars). 2 submissions from 2 submitters: Uncertain significance (2). Last evaluated 2023-05-16.

Conditions:
Renal cell carcinoma. Identifiers: Orphanet 217071, MedGen C0007134, MeSH D002292, MONDO:0005086, HP:0005584.
Hereditary cancer-predisposing syndrome. Also called: Hereditary Cancer Syndrome; Neoplastic Syndromes, Hereditary; Tumor predisposition; Hereditary neoplastic syndrome. Identifiers: Orphanet 140162, MedGen C0027672, MeSH D009386, MONDO:0015356.

Submissions (2):

Labcorp Genetics (formerly Invitae), Labcorp
Classification: Uncertain significance for Renal cell carcinoma. Last evaluated: 2023-05-16. Review status: criteria provided, single submitter. Criteria: Invitae Variant Classification Sherloc (09022015). Collection method: clinical testing. Allele origin: germline.
Comment: This sequence change replaces glutamine, which is neutral and polar, with proline, which is neutral and non-polar, at codon 171 of the MET protein (p.Gln171Pro). This variant is not present in population databases (gnomAD no frequency). This variant has not been reported in the literature in individuals affected with MET-related conditions. ClinVar contains an entry for this variant (Variation ID: 1745523). Advanced modeling of protein sequence and biophysical properties (such as structural, functional, and spatial information, amino acid conservation, physicochemical variation, residue mobility, and thermodynamic stability) performed at Invitae indicates that this missense variant is not expected to disrupt MET protein function. In summary, the available evidence is currently insufficient to determine the role of this variant in disease. Therefore, it has been classified as a Variant of Uncertain Significance.

Ambry Genetics
Classification: Uncertain significance for Hereditary cancer-predisposing syndrome. Last evaluated: 2021-04-01. Review status: criteria provided, single submitter. Criteria: Ambry Variant Classification Scheme 2023. Collection method: clinical testing. Allele origin: germline.
Comment: The p.Q171P variant (also known as c.512A>C), located in coding exon 1 of the MET gene, results from an A to C substitution at nucleotide position 512. The glutamine at codon 171 is replaced by proline, an amino acid with similar properties. This amino acid position is well conserved in available vertebrate species. In addition, this alteration is predicted to be tolerated by in silico analysis. Since supporting evidence is limited at this time, the clinical significance of this alteration remains unclear.